The following is an entry in ClinVar:

ClinVar aggregate classification (germline): Benign/Likely benign. Review status: criteria provided, multiple submitters, no conflicts (2 of 4 stars). 3 submissions from 3 submitters: Benign (1); Likely benign (2). Last evaluated 2025-09-06.

Conditions:
Methylmalonic acidemia with homocystinuria, type cblX (MAHCX). Also called: INTELLECTUAL DEVELOPMENTAL DISORDER, X-LINKED 3. Identifiers: Orphanet 369962, MedGen C0796208, MONDO:0010657, OMIM 309541.

Allele frequency attached by ClinVar (database versions not stated): ExAC 0.00003; gnomAD exomes 0.00007 and 0.00036; gnomAD 0.00013; TOPMed 0.00019.
gnomAD v4.1: 398 of 1,187,488 alleles (0.034%); highest among the groups gnomAD compares: Non-Finnish European, 0.043%; 1 homozygote.

Submissions (3):

Labcorp Genetics (formerly Invitae), Labcorp
Classification: Benign for Methylmalonic acidemia with homocystinuria, type cblX. Last evaluated: 2025-09-06. Review status: criteria provided, single submitter. Criteria: Invitae Variant Classification Sherloc (09022015). Collection method: clinical testing. Allele origin: germline.

Blueprint Genetics
Classification: Likely benign. Last evaluated: 2024-10-15. Review status: criteria provided, single submitter. Criteria: ACMG Guidelines, 2015. Collection method: clinical testing. Allele origin: germline.

GeneDx
Classification: Likely benign. Last evaluated: 2017-08-30. Review status: criteria provided, single submitter. Criteria: GeneDx Variant Classification (06012015). Collection method: clinical testing. Allele origin: germline. Affected: yes.
Comment: This variant is considered likely benign or benign based on one or more of the following criteria: it is a conservative change, it occurs at a poorly conserved position in the protein, it is predicted to be benign by multiple in silico algorithms, and/or has population frequency not consistent with disease.

NM_005334.3(HCFC1):c.6005-18C>G

Gene: HCFC1 (host cell factor C1; minus strand). Cytogenetic location: Xq28.
Variant type: single nucleotide variant.
Coding change: c.6005-18C>G on transcript NM_005334.3 (MANE Select); 18 bases into the intron before coding-DNA position 6005, C replaced by G.
Molecular consequence: intron variant.
Genome position (GRCh38, 1-based): chrX:153,949,634, G>C on the plus strand (C>G on the coding strand, the complement: HCFC1 is on the minus strand). VCF-style: chrX-153949634-G-C. GRCh37 (hg19) VCF-style: chrX-153215085-G-C.
Identifiers: ClinVar variation 511475 (VCV000511475.7), dbSNP rs781820710, ClinGen allele CA10556689.